The following is an entry in ClinVar:

NM_001128148.3(TFRC):c.521G>A (p.Arg174His)

Gene: TFRC (transferrin receptor; minus strand). Cytogenetic location: 3q29.
Variant type: single nucleotide variant.
Coding change: c.521G>A on transcript NM_001128148.3 (MANE Select); coding-DNA position 521, G replaced by A.
Protein change: p.Arg174His; replaces arginine 174 with histidine.
Molecular consequence: missense variant. On other transcripts: 5 prime UTR variant (1).
Genome position (GRCh38, 1-based): chr3:196,072,066, C>T on the plus strand (G>A on the coding strand, the complement: TFRC is on the minus strand). VCF-style: chr3-196072066-C-T. GRCh37 (hg19) VCF-style: chr3-195798937-C-T.
Other names: c.278G>A, p.Arg93His (NM_001313965.2); c.-326G>A (NM_001313966.2); c.521G>A, p.Arg174His (NM_003234.4); short protein forms R174H, R93H.
Identifiers: ClinVar variation 3608810 (VCV003608810.2).

ClinVar aggregate classification (germline): Uncertain significance (1 of 4 stars; one submission).

gnomAD v4.1: 10 of 1,613,986 alleles (0.00062%); highest among the groups gnomAD compares: African/African-American, 0.0053%; no homozygotes.

Submission:

Labcorp Genetics (formerly Invitae), Labcorp
Classification: Uncertain significance. Last evaluated: 2024-10-10. Review status: criteria provided, single submitter. Criteria: Invitae Variant Classification Sherloc (09022015). Collection method: clinical testing. Allele origin: germline.
Comment: This sequence change replaces arginine, which is basic and polar, with histidine, which is basic and polar, at codon 174 of the TFRC protein (p.Arg174His). This variant is present in population databases (rs779563995, gnomAD 0.01%). This variant has not been reported in the literature in individuals affected with TFRC-related conditions. Invitae Evidence Modeling of protein sequence and biophysical properties (such as structural, functional, and spatial information, amino acid conservation, physicochemical variation, residue mobility, and thermodynamic stability) indicates that this missense variant is not expected to disrupt TFRC protein function with a negative predictive value of 80%. In summary, the available evidence is currently insufficient to determine the role of this variant in disease. Therefore, it has been classified as a Variant of Uncertain Significance.